The following is an entry in ClinVar:

ClinVar aggregate classification (germline): Uncertain significance (1 of 4 stars; one submission).

Conditions:
Familial acute necrotizing encephalopathy (IIAE3). Also called: Susceptibility to Acute Necrotizing Encephalopathy 1; ENCEPHALOPATHY, ACUTE, INFECTION-INDUCED, SUSCEPTIBILITY TO, 3. Identifiers: Orphanet 88619, MedGen C2675556, MONDO:0011953, OMIM 608033.

Allele frequency attached by ClinVar (database versions not stated): gnomAD exomes 0.00001.

Submission:

Labcorp Genetics (formerly Invitae), Labcorp
Classification: Uncertain significance for Familial acute necrotizing encephalopathy. Last evaluated: 2018-05-23. Review status: criteria provided, single submitter. Criteria: Invitae Variant Classification Sherloc (09022015). Collection method: clinical testing. Allele origin: germline.
Comment: In summary, the available evidence is currently insufficient to determine the role of this variant in disease. Therefore, it has been classified as a Variant of Uncertain Significance. Algorithms developed to predict the effect of missense changes on protein structure and function do not agree on the potential impact of this missense change (SIFT: "Deleterious"; PolyPhen-2: "Possibly Damaging"; Align-GVGD: "Class C15"). This variant has not been reported in the literature in individuals with RANBP2-related disease. This variant is not present in population databases (ExAC no frequency). This sequence change replaces aspartic acid with asparagine at codon 1995 of the RANBP2 protein (p.Asp1995Asn). The aspartic acid residue is highly conserved and there is a small physicochemical difference between aspartic acid and asparagine.

NM_006267.5(RANBP2):c.5983G>A (p.Asp1995Asn)

Gene: RANBP2 (RAN binding protein 2; plus strand). Cytogenetic location: 2q13.
Variant type: single nucleotide variant.
Coding change: c.5983G>A on transcript NM_006267.5 (MANE Select); coding-DNA position 5983, G replaced by A.
Protein change: p.Asp1995Asn; replaces aspartic acid 1995 with asparagine.
Molecular consequence: missense variant.
Genome position (GRCh38, 1-based): chr2:108,766,522, G>A. VCF-style: chr2-108766522-G-A. GRCh37 (hg19) VCF-style: chr2-109382978-G-A.
Other names: short protein forms D1995N.
Identifiers: ClinVar variation 537215 (VCV000537215.9), dbSNP rs1206917390, ClinGen allele CA348074398.